The following is an entry in ClinVar:

ClinVar aggregate classification (germline): Uncertain significance. Review status: criteria provided, multiple submitters, no conflicts (2 of 4 stars). 3 submissions from 3 submitters: Uncertain significance (3). Last evaluated 2025-07-20.

Conditions:
Inborn genetic diseases. Identifiers: MedGen C0950123, MeSH D030342.

Allele frequency attached by ClinVar (database versions not stated): TOPMed 0.00002; gnomAD 0.00003; 1000 Genomes Project 30x 0.00031; 1000 Genomes Project 0.00040.
gnomAD v4.1: 50 of 1,559,146 alleles (0.0032%); highest among the groups gnomAD compares: Middle Eastern, 0.017%; no homozygotes.

Submissions (3):

Labcorp Genetics (formerly Invitae), Labcorp
Classification: Uncertain significance. Last evaluated: 2025-07-20. Review status: criteria provided, single submitter. Criteria: Invitae Variant Classification Sherloc (09022015). Collection method: clinical testing. Allele origin: germline.
Comment: This sequence change replaces arginine, which is basic and polar, with glutamine, which is neutral and polar, at codon 1814 of the CCDC88C protein (p.Arg1814Gln). The frequency data for this variant in the population databases is considered unreliable, as metrics indicate poor data quality at this position in the gnomAD database. This variant has not been reported in the literature in individuals affected with CCDC88C-related conditions. ClinVar contains an entry for this variant (Variation ID: 2310467). An algorithm developed to predict the effect of missense changes on protein structure and function (PolyPhen-2) suggests that this variant is likely to be tolerated. In summary, the available evidence is currently insufficient to determine the role of this variant in disease. Therefore, it has been classified as a Variant of Uncertain Significance.

GeneDx
Classification: Uncertain significance. Last evaluated: 2025-05-23. Review status: criteria provided, single submitter. Criteria: GeneDx Variant Classification Process June 2021. Collection method: clinical testing. Allele origin: germline.
Comment: Not observed at significant frequency in large population cohorts (gnomAD); In silico analysis indicates that this missense variant does not alter protein structure/function; Has not been previously published as pathogenic or benign to our knowledge

Ambry Genetics
Classification: Uncertain significance for Inborn genetic diseases. Last evaluated: 2022-09-06. Review status: criteria provided, single submitter. Criteria: Ambry Variant Classification Scheme 2023. Collection method: clinical testing. Allele origin: germline.

NM_001080414.4(CCDC88C):c.5441G>A (p.Arg1814Gln)

Gene: CCDC88C (coiled-coil and HOOK domain protein 88C; minus strand). Cytogenetic location: 14q32.11.
Variant type: single nucleotide variant.
Coding change: c.5441G>A on transcript NM_001080414.4 (MANE Select); coding-DNA position 5441, G replaced by A.
Protein change: p.Arg1814Gln; replaces arginine 1814 with glutamine.
Molecular consequence: missense variant.
Genome position (GRCh38, 1-based): chr14:91,273,271, C>T on the plus strand (G>A on the coding strand, the complement: CCDC88C is on the minus strand). VCF-style: chr14-91273271-C-T. GRCh37 (hg19) VCF-style: chr14-91739615-C-T.
Other names: short protein forms R1814Q.
Identifiers: ClinVar variation 2310467 (VCV002310467.5), dbSNP rs534216402, ClinGen allele CA7308652.